The following is an entry in ClinVar:

ClinVar aggregate classification (germline): Benign/Likely benign. Review status: criteria provided, multiple submitters, no conflicts (2 of 4 stars). 4 submissions from 4 submitters: Benign (1); Likely benign (3). Last evaluated 2026-01-26.

Conditions:
Primary hyperoxaluria, type I (HP1). Also called: Primary hyperoxaluria type 1; GLYCOLIC ACIDURIA; HEPATIC AGT DEFICIENCY; OXALOSIS I. Identifiers: Orphanet 416, Orphanet 93598, MedGen C0268164, MONDO:0009823, OMIM 259900. Disease mechanism: loss of function.

Allele frequency attached by ClinVar (database versions not stated): gnomAD 0.00009 and 0.00013; TOPMed 0.00015; gnomAD exomes 0.00043; ExAC 0.00054; 1000 Genomes Project 0.00080; 1000 Genomes Project 30x 0.00109.

Submissions (4):

Labcorp Genetics (formerly Invitae), Labcorp
Classification: Benign. Last evaluated: 2026-01-26. Review status: criteria provided, single submitter. Criteria: Invitae Variant Classification Sherloc (09022015). Collection method: clinical testing. Allele origin: germline.

Blueprint Genetics
Classification: Likely benign. Last evaluated: 2024-03-05. Review status: criteria provided, single submitter. Criteria: ACMG Guidelines, 2015. Collection method: clinical testing. Allele origin: germline.

Illumina Laboratory Services, Illumina
Classification: Likely benign for Primary hyperoxaluria, type I. Last evaluated: 2018-01-13. Review status: criteria provided, single submitter. Criteria: ICSL Variant Classification Criteria 13 December 2019. Collection method: clinical testing. Allele origin: germline.
Comment: This variant was observed in the ICSL laboratory as part of a predisposition screen in an ostensibly healthy population. It had not been previously curated by ICSL or reported in the Human Gene Mutation Database (HGMD: prior to June 1st, 2018), and was therefore a candidate for classification through an automated scoring system. Utilizing variant allele frequency, disease prevalence and penetrance estimates, and inheritance mode, an automated score was calculated to assess if this variant is too frequent to cause the disease. Based on the score and internal cut-off values, a variant classified as likely benign is not then subjected to further curation. The score for this variant resulted in a classification of likely benign for this disease.

Breakthrough Genomics
Classification: Likely benign. Review status: criteria provided, single submitter. Criteria: ACMG Guidelines, 2015. Collection method: not provided. Allele origin: germline. Inheritance: Autosomal recessive inheritance. Affected: yes.

NM_000030.3(AGXT):c.942+12C>G

Gene: AGXT (alanine--glyoxylate aminotransferase; plus strand). Cytogenetic location: 2q37.3.
Variant type: single nucleotide variant.
Coding change: c.942+12C>G on transcript NM_000030.3 (MANE Select); 12 bases into the intron after coding-DNA position 942, C replaced by G.
Molecular consequence: intron variant.
Genome position (GRCh38, 1-based): chr2:240,877,644, C>G. VCF-style: chr2-240877644-C-G. GRCh37 (hg19) VCF-style: chr2-241817061-C-G.
Identifiers: ClinVar variation 896662 (VCV000896662.14), dbSNP rs202001799, ClinGen allele CA2209340.